The following is an entry in ClinVar:

NM_020041.3(SLC2A9):c.-8T>G

Genes: SLC2A9 (solute carrier family 2 member 9; minus strand), SLC2A9-AS3 (SLC2A9 antisense RNA 3; plus strand). Cytogenetic location: 4p16.1.
Variant type: single nucleotide variant.
Coding change: c.-8T>G on transcript NM_020041.3 (MANE Select); 8 bases upstream of the start codon, T replaced by G.
Molecular consequence: 5 prime UTR variant. On other transcripts: intron variant (1).
Genome position (GRCh38, 1-based): chr4:10,021,437, A>C on the plus strand (T>G on the coding strand, the complement: SLC2A9 is on the minus strand). VCF-style: chr4-10021437-A-C. GRCh37 (hg19) VCF-style: chr4-10023061-A-C.
Other names: c.64-2364T>G (NM_001001290.2, NM_001001290.1).
Identifiers: ClinVar variation 899983 (VCV000899983.8), dbSNP rs114860720, ClinGen allele CA2857377.

ClinVar aggregate classification (germline): Benign/Likely benign. Review status: criteria provided, multiple submitters, no conflicts (2 of 4 stars). 4 submissions from 4 submitters: Benign (2); Likely benign (1). 1 of the submissions does not count toward it. Last evaluated 2021-05-31.

Conditions:
Hypouricemia, renal, 2. Also called: HYPOURICEMIA, RENAL, 2, AUTOSOMAL DOMINANT; HYPOURICEMIA, RENAL, 2, AUTOSOMAL RECESSIVE. Identifiers: MedGen C2677549, MONDO:0012793, OMIM 612076.
SLC2A9-related disorder. Also called: SLC2A9-related condition.

Allele frequency attached by ClinVar (database versions not stated): gnomAD exomes 0.00061 and 0.00155; ExAC 0.00189; gnomAD 0.00575 and 0.00611; ESP Exome Variant Server 0.00630; TOPMed 0.00643; 1000 Genomes Project 0.00719; 1000 Genomes Project 30x 0.00828.
gnomAD v4.1: 1,805 of 1,614,136 alleles (0.11%); highest among the groups gnomAD compares: African/African-American, 1.9%; 16 homozygotes.

Submissions (4):

GeneDx
Classification: Likely benign. Last evaluated: 2021-05-31. Review status: criteria provided, single submitter. Criteria: GeneDx Variant Classification Process June 2021. Collection method: clinical testing. Allele origin: germline. Affected: yes.
Comment: See Variant Classification Assertion Criteria.

Illumina Laboratory Services, Illumina
Classification: Benign for Hypouricemia, renal, 2. Last evaluated: 2018-01-13. Review status: criteria provided, single submitter. Criteria: ICSL Variant Classification Criteria 13 December 2019. Collection method: clinical testing. Allele origin: germline.
Comment: This variant was observed in the ICSL laboratory as part of a predisposition screen in an ostensibly healthy population. It had not been previously curated by ICSL or reported in the Human Gene Mutation Database (HGMD: prior to June 1st, 2018), and was therefore a candidate for classification through an automated scoring system. Utilizing variant allele frequency, disease prevalence and penetrance estimates, and inheritance mode, an automated score was calculated to assess if this variant is too frequent to cause the disease. Based on the score and internal cut-off values, a variant classified as benign is not then subjected to further curation. The score for this variant resulted in a classification of benign for this disease.

Breakthrough Genomics
Classification: Benign. Review status: criteria provided, single submitter. Criteria: ACMG Guidelines, 2015. Collection method: not provided. Allele origin: germline. Inheritance: Autosomal dominant inheritance. Affected: yes.

PreventionGenetics, part of Exact Sciences
Classification: Benign for SLC2A9-related condition. Last evaluated: 2019-03-04. Review status: no assertion criteria provided. Collection method: clinical testing. Allele origin: germline. Not counted in ClinVar's aggregate classification.
Comment: This variant is classified as benign based on ACMG/AMP sequence variant interpretation guidelines (Richards et al. 2015 PMID: 25741868, with internal and published modifications).